The following is an entry in ClinVar:

NM_001376.5(DYNC1H1):c.5238+1G>A

Gene: DYNC1H1 (dynein cytoplasmic 1 heavy chain 1; plus strand). Cytogenetic location: 14q32.31.
Variant type: single nucleotide variant.
Coding change: c.5238+1G>A on transcript NM_001376.5 (MANE Select); the canonical splice donor site of the intron after coding-DNA position 5238, G replaced by A.
Molecular consequence: splice donor variant.
Genome position (GRCh38, 1-based): chr14:102,004,951, G>A. VCF-style: chr14-102004951-G-A. GRCh37 (hg19) VCF-style: chr14-102471288-G-A.
Identifiers: ClinVar variation 2644563 (VCV002644563.24), dbSNP rs773762466, ClinGen allele CA266997612.

ClinVar aggregate classification (germline): Uncertain significance (1 of 4 stars; one submission).

Submission:

CeGaT Center for Human Genetics Tuebingen
Classification: Uncertain significance. Last evaluated: 2022-11-01. Review status: criteria provided, single submitter. Criteria: CeGaT Center For Human Genetics Tuebingen Variant Classification Criteria Version 2. Collection method: clinical testing. Allele origin: germline. Affected: yes. Observed: 1 variant allele.
Comment: DYNC1H1: PM2